The following is an entry in ClinVar:

ClinVar aggregate classification (germline): Uncertain significance. Review status: criteria provided, multiple submitters, no conflicts (2 of 4 stars). 2 submissions from 2 submitters: Uncertain significance (2). Last evaluated 2026-06-17.

Conditions:
Inborn genetic diseases. Identifiers: MedGen C0950123, MeSH D030342.

Allele frequency attached by ClinVar (database versions not stated): gnomAD exomes below 0.00001; TOPMed 0.00001.
gnomAD v4.1: 1 of 1,614,148 alleles (0.000062%); highest among the groups gnomAD compares: Non-Finnish European, 0.000085%; no homozygotes.

Submissions (2):

Ambry Genetics
Classification: Uncertain significance for Inborn genetic diseases. Last evaluated: 2026-06-17. Review status: criteria provided, single submitter. Criteria: Ambry Variant Classification Scheme 2023. Collection method: clinical testing. Allele origin: germline.

Labcorp Genetics (formerly Invitae), Labcorp
Classification: Uncertain significance. Last evaluated: 2025-11-02. Review status: criteria provided, single submitter. Criteria: Invitae Variant Classification Sherloc (09022015). Collection method: clinical testing. Allele origin: germline.
Comment: This sequence change replaces glutamic acid, which is acidic and polar, with lysine, which is basic and polar, at codon 1066 of the KAT6A protein (p.Glu1066Lys). This variant is not present in population databases (gnomAD no frequency). This variant has not been reported in the literature in individuals affected with KAT6A-related conditions. ClinVar contains an entry for this variant (Variation ID: 2813661). Invitae Evidence Modeling of protein sequence and biophysical properties (such as structural, functional, and spatial information, amino acid conservation, physicochemical variation, residue mobility, and thermodynamic stability) indicates that this missense variant is not expected to disrupt KAT6A protein function with a negative predictive value of 95%. In summary, the available evidence is currently insufficient to determine the role of this variant in disease. Therefore, it has been classified as a Variant of Uncertain Significance.

NM_006766.5(KAT6A):c.3196G>A (p.Glu1066Lys)

Gene: KAT6A (lysine acetyltransferase 6A; minus strand). Cytogenetic location: 8p11.21.
Variant type: single nucleotide variant.
Coding change: c.3196G>A on transcript NM_006766.5 (MANE Select); coding-DNA position 3196, G replaced by A.
Protein change: p.Glu1066Lys; replaces glutamic acid 1066 with lysine.
Molecular consequence: missense variant.
Genome position (GRCh38, 1-based): chr8:41,937,412, C>T on the plus strand (G>A on the coding strand, the complement: KAT6A is on the minus strand). VCF-style: chr8-41937412-C-T. GRCh37 (hg19) VCF-style: chr8-41794930-C-T.
Other names: c.3196G>A (NM_006766.3); short protein forms E1066K.
Identifiers: ClinVar variation 2813661 (VCV002813661.4), dbSNP rs1821907424, ClinGen allele CA371070510.